The following is an entry in ClinVar:

NM_000051.4(ATM):c.9142C>T (p.Leu3048Phe)

Genes: ATM (ATM serine/threonine kinase; plus strand), C11orf65 (chromosome 11 open reading frame 65; minus strand). Cytogenetic location: 11q22.3.
Variant type: single nucleotide variant.
Coding change: c.9142C>T on transcript NM_000051.4 (MANE Select); coding-DNA position 9142, C replaced by T.
Protein change: p.Leu3048Phe; replaces leucine 3048 with phenylalanine.
Molecular consequence: missense variant. On other transcripts: intron variant (2).
Genome position (GRCh38, 1-based): chr11:108,365,479, C>T. VCF-style: chr11-108365479-C-T. GRCh37 (hg19) VCF-style: chr11-108236206-C-T.
Other names: c.9142C>T, p.Leu3048Phe (NM_001351834.2); c.640+20441G>A (NM_001330368.2); c.694+20441G>A (NM_001351110.2); short protein forms L3048F.
Identifiers: ClinVar variation 830277 (VCV000830277.10), dbSNP rs876660534, ClinGen allele CA382532113.

ClinVar aggregate classification (germline): Uncertain significance. Review status: criteria provided, multiple submitters, no conflicts (2 of 4 stars). 4 submissions from 4 submitters: Uncertain significance (4). Last evaluated 2025-07-09.

Conditions:
Hereditary breast ovarian cancer syndrome. Also called: BRCA1- and BRCA2-Associated Hereditary Breast and Ovarian Cancer; Hereditary breast and ovarian cancer; Hereditary breast and ovarian cancer syndrome (HBOC); Breast and ovarian cancer; Hereditary breast and/or ovarian cancer syndrome; Hereditary breast and ovarian cancer syndrome. Identifiers: Orphanet 145, MedGen C0677776, MeSH D061325, MONDO:0003582. Disease mechanism: loss of function.
Hereditary cancer-predisposing syndrome. Also called: Tumor predisposition; Neoplastic Syndromes, Hereditary; Hereditary Cancer Syndrome; Hereditary neoplastic syndrome. Identifiers: Orphanet 140162, MedGen C0027672, MeSH D009386, MONDO:0015356.
Ataxia-telangiectasia syndrome (AT). Also called: ATAXIA-TELANGIECTASIA, COMPLEMENTATION GROUP A; ATAXIA-TELANGIECTASIA, FRESNO VARIANT; Ataxia-telangiectasia; Ataxia-telangiectasia, complementation group D; AT, COMPLEMENTATION GROUP C; Ataxia-telangiectasia, complementation group E. Identifiers: Orphanet 100, MedGen C0004135, MONDO:0008840, OMIM 208900.

Submissions (4):

Labcorp Genetics (formerly Invitae), Labcorp
Classification: Uncertain significance for Ataxia-telangiectasia syndrome. Last evaluated: 2025-07-09. Review status: criteria provided, single submitter. Criteria: Invitae Variant Classification Sherloc (09022015). Collection method: clinical testing. Allele origin: germline.
Comment: This sequence change replaces leucine, which is neutral and non-polar, with phenylalanine, which is neutral and non-polar, at codon 3048 of the ATM protein (p.Leu3048Phe). This variant is not present in population databases (gnomAD no frequency). This missense change has been observed in individual(s) with breast cancer (PMID: 30287823). ClinVar contains an entry for this variant (Variation ID: 830277). Invitae Evidence Modeling of protein sequence and biophysical properties (such as structural, functional, and spatial information, amino acid conservation, physicochemical variation, residue mobility, and thermodynamic stability) has been performed for this missense variant. However, the output from this modeling did not meet the statistical confidence thresholds required to predict the impact of this variant on ATM protein function. In summary, the available evidence is currently insufficient to determine the role of this variant in disease. Therefore, it has been classified as a Variant of Uncertain Significance.

Ambry Genetics
Classification: Uncertain significance for Hereditary cancer-predisposing syndrome. Last evaluated: 2022-06-13. Review status: criteria provided, single submitter. Criteria: Ambry Variant Classification Scheme 2023. Collection method: clinical testing. Allele origin: germline.
Comment: The p.L3048F variant (also known as c.9142C>T), located in coding exon 62 of the ATM gene, results from a C to T substitution at nucleotide position 9142. The leucine at codon 3048 is replaced by phenylalanine, an amino acid with highly similar properties. This alteration was observed with an allele frequency of 0.00057 in 7,051 unselected female breast cancer patients and was observed with an allele frequency of 0.00009 in 11,241 female controls of Japanese ancestry. In addition, it was not observed in unselected male breast cancer patients and was observed with an allele frequency of 0.0002 in 12,490 male controls of Japanese ancestry (Momozawa Y et al. Nat Commun, 2018 10;9:4083). This amino acid position is highly conserved in available vertebrate species. In addition, this alteration is predicted to be deleterious by in silico analysis. Since supporting evidence is limited at this time, the clinical significance of this alteration remains unclear.

Women's Health and Genetics/Laboratory Corporation of America, LabCorp
Classification: Uncertain significance. Last evaluated: 2019-09-06. Review status: criteria provided, single submitter. Criteria: LabCorp Variant Classification Summary - May 2015. Collection method: clinical testing. Allele origin: germline.
Comment: Variant summary: ATM c.9142C>T (p.Leu3048Phe) results in a non-conservative amino acid change located in the Phosphatidylinositol 3-/4-kinase, catalytic domain (IPR000403) and FATC domain of the encoded protein sequence. Five of five in-silico tools predict a damaging effect of the variant on protein function. The variant allele was found at a frequency of 1e-05 in 298880 control chromosomes (gnomAD). The available data on variant occurrences in the general population are insufficient to allow any conclusion about variant significance. c.9142C>T has been reported in the literature in individuals affected with Breast Cancer (Momozawa_2018). This report does not provide unequivocal conclusions about association of the variant with Breast Cancer. To our knowledge, no experimental evidence demonstrating an impact on protein function has been reported. No clinical diagnostic laboratories have submitted clinical-significance assessments for this variant to ClinVar after 2014. Based on the evidence outlined above, the variant was classified as uncertain significance.

Cancer Genomics Group, Japanese Foundation For Cancer Research
Classification: Uncertain significance for Hereditary breast and ovarian cancer syndrome. Last evaluated: 2019-05-01. Review status: criteria provided, single submitter. Criteria: ACMG Guidelines, 2015. Collection method: research. Allele origin: germline. Affected: yes.

Literature cited by the submitters: PubMed 30287823 (cited by 3 submitters).